The following is an entry in ClinVar:

NM_002480.3(PPP1R12A):c.1333del (p.Ser445fs)

Gene: PPP1R12A (protein phosphatase 1 regulatory subunit 12A; minus strand). Cytogenetic location: 12q21.2.
Variant type: Deletion.
Coding change: c.1333del on transcript NM_002480.3 (MANE Select); coding-DNA position 1333, one base deleted (A; older notation c.1333delA).
Protein change: p.Ser445fs; shifts the reading frame from serine 445.
Molecular consequence: frameshift variant.
Genome position (GRCh38, 1-based): chr12:79,809,917, T deleted on the plus strand (A on the coding strand, the reverse complement: PPP1R12A is on the minus strand). VCF-style (leftmost placement, unchanged base first): chr12-79809916-CT-C. GRCh37 (hg19) VCF-style: chr12-80203696-CT-C.
Other names: c.1333del, p.Ser445fs (NM_001143885.2, NM_001244990.2, NM_001244992.1); c.1072del, p.Ser358fs (NM_001143886.2); short protein forms S445fs, S358fs.
Identifiers: ClinVar variation 3423767 (VCV003423767.1).

ClinVar aggregate classification (germline): Pathogenic (1 of 4 stars; one submission).

Conditions:
Inborn genetic diseases. Identifiers: MedGen C0950123, MeSH D030342.

Submission:

Ambry Genetics
Classification: Pathogenic for Inborn genetic diseases. Last evaluated: 2024-10-04. Review status: criteria provided, single submitter. Criteria: Ambry Variant Classification Scheme 2023. Collection method: clinical testing. Allele origin: germline.
Comment: The c.1333delA (p.S445Afs*61) alteration, located in exon 10 (coding exon 10) of the PPP1R12A gene, consists of a deletion of one nucleotide at position 1333, causing a translational frameshift with a predicted alternate stop codon after 61 amino acids. This alteration is expected to result in loss of function by premature protein truncation or nonsense-mediated mRNA decay. This variant was not reported in population-based cohorts in the Genome Aggregation Database (gnomAD). Based on the available evidence, this alteration is classified as pathogenic.